The following is an entry in ClinVar:

ClinVar aggregate classification (germline): Likely pathogenic. Review status: criteria provided, multiple submitters, no conflicts (2 of 4 stars). 2 submissions from 2 submitters: Likely pathogenic (2). Last evaluated 2024-04-10.

Conditions:
Tolchin-Le Caignec syndrome. Also called: INTELLECTUAL DEVELOPMENTAL DISORDER WITH BEHAVIORAL ABNORMALITIES AND VARIABLE BONE DEFECTS. Identifiers: MedGen C5436509, MONDO:0033544, OMIM 618971.

Submissions (2):

Fulgent Genetics
Classification: Likely pathogenic for Tolchin-Le Caignec syndrome. Last evaluated: 2024-04-10. Review status: criteria provided, single submitter. Criteria: ACMG Guidelines, 2015. Collection method: clinical testing. Allele origin: germline.

CeGaT Center for Human Genetics Tuebingen
Classification: Likely pathogenic. Last evaluated: 2023-10-01. Review status: criteria provided, single submitter. Criteria: CeGaT Center For Human Genetics Tuebingen Variant Classification Criteria Version 2. Collection method: clinical testing. Allele origin: germline. Affected: yes. Observed: 1 variant allele.
Comment: SOX6: PVS1:Strong, PM2

NM_001367873.1(SOX6):c.1500del (p.Gln501fs)

Gene: SOX6 (SRY-box transcription factor 6; minus strand). Cytogenetic location: 11p15.2.
Variant type: Deletion.
Coding change: c.1500del on transcript NM_001367873.1 (MANE Select); coding-DNA position 1500, one base deleted (T; older notation c.1500delT).
Protein change: p.Gln501fs; shifts the reading frame from glutamine 501.
Molecular consequence: frameshift variant.
Genome position (GRCh38, 1-based): chr11:16,046,637, A deleted on the plus strand (T on the coding strand, the reverse complement: SOX6 is on the minus strand); the first of 2 consecutive A bases (chr11:16,046,637-16,046,638); deleting either gives the same sequence. VCF-style (leftmost placement, unchanged base first): chr11-16046636-GA-G. GRCh37 (hg19) VCF-style: chr11-16068182-GA-G.
Other names: c.1419del, p.Gln474fs (NM_001145811.2, NM_017508.3); c.1500del, p.Gln501fs (NM_001145819.2, NM_033326.3); c.1377del, p.Gln460fs (NM_001367872.1); short protein forms Q460fs, Q474fs, Q501fs.
Identifiers: ClinVar variation 2641633 (VCV002641633.25), dbSNP rs2494128138, ClinGen allele CA2695201109.